The following is an entry in ClinVar:

NM_130466.4(UBE3B):c.1191C>A (p.Phe397Leu)

Gene: UBE3B (ubiquitin protein ligase E3B; plus strand). Cytogenetic location: 12q24.11.
Variant type: single nucleotide variant.
Coding change: c.1191C>A on transcript NM_130466.4 (MANE Select); coding-DNA position 1191, C replaced by A.
Protein change: p.Phe397Leu; replaces phenylalanine 397 with leucine.
Molecular consequence: missense variant.
Genome position (GRCh38, 1-based): chr12:109,501,443, C>A. VCF-style: chr12-109501443-C-A. GRCh37 (hg19) VCF-style: chr12-109939248-C-A.
Other names: c.1191C>A, p.Phe397Leu (NM_183415.3); short protein forms F397L.
Identifiers: ClinVar variation 1940151 (VCV001940151.5), dbSNP rs770282740, ClinGen allele CA6777830.

ClinVar aggregate classification (germline): Uncertain significance (1 of 4 stars; one submission).

Allele frequency attached by ClinVar (database versions not stated): ExAC 0.00001; gnomAD 0.00001.

Submission:

Labcorp Genetics (formerly Invitae), Labcorp
Classification: Uncertain significance. Last evaluated: 2022-08-08. Review status: criteria provided, single submitter. Criteria: Invitae Variant Classification Sherloc (09022015). Collection method: clinical testing. Allele origin: germline.
Comment: Algorithms developed to predict the effect of missense changes on protein structure and function output the following: SIFT: "Tolerated"; PolyPhen-2: "Benign"; Align-GVGD: "Class C0". The leucine amino acid residue is found in multiple mammalian species, which suggests that this missense change does not adversely affect protein function. In summary, the available evidence is currently insufficient to determine the role of this variant in disease. Therefore, it has been classified as a Variant of Uncertain Significance. This sequence change replaces phenylalanine, which is neutral and non-polar, with leucine, which is neutral and non-polar, at codon 397 of the UBE3B protein (p.Phe397Leu). This variant is present in population databases (rs770282740, gnomAD 0.004%). This variant has not been reported in the literature in individuals affected with UBE3B-related conditions.